The following is an entry in ClinVar:

ClinVar aggregate classification (germline): Likely benign. Review status: criteria provided, multiple submitters, no conflicts (2 of 4 stars). 2 submissions from 2 submitters: Likely benign (2). Last evaluated 2025-01-01.

Allele frequency attached by ClinVar (database versions not stated): 1000 Genomes Project 0.00040; 1000 Genomes Project 30x 0.00047; ExAC 0.00056; gnomAD 0.00093; TOPMed 0.00097; ESP Exome Variant Server 0.00131; gnomAD exomes 0.00172.
gnomAD v4.1: 2,633 of 1,612,636 alleles (0.16%); highest among the groups gnomAD compares: Non-Finnish European, 0.21%; 4 homozygotes.

Submissions (2):

CeGaT Center for Human Genetics Tuebingen
Classification: Likely benign. Last evaluated: 2025-01-01. Review status: criteria provided, single submitter. Criteria: CeGaT Center For Human Genetics Tuebingen Variant Classification Criteria Version 2. Collection method: clinical testing. Allele origin: germline. Affected: yes. Observed: 2 variant alleles.
Comment: RORA: BP4, BS1

Blueprint Genetics
Classification: Likely benign. Last evaluated: 2024-11-11. Review status: criteria provided, single submitter. Criteria: ACMG Guidelines, 2015. Collection method: clinical testing. Allele origin: germline.

NM_134261.3(RORA):c.283-8T>C

Genes: RORA (RAR related orphan receptor A; minus strand), RORA-AS1 (RORA antisense RNA 1; plus strand). Cytogenetic location: 15q22.2.
Variant type: single nucleotide variant.
Coding change: c.283-8T>C on transcript NM_134261.3 (MANE Select); 8 bases into the intron before coding-DNA position 283, T replaced by C.
Molecular consequence: intron variant.
Genome position (GRCh38, 1-based): chr15:60,514,765, A>G on the plus strand (T>C on the coding strand, the complement: RORA is on the minus strand). VCF-style: chr15-60514765-A-G. GRCh37 (hg19) VCF-style: chr15-60806964-A-G.
Other names: c.382-8T>C (NM_134260.3); c.358-8T>C (NM_002943.4); c.118-8T>C (NM_134262.3).
Identifiers: ClinVar variation 2645393 (VCV002645393.25), dbSNP rs183824261, ClinGen allele CA7593740.